The following is an entry in ClinVar:

NM_001080442.3(SLC38A8):c.806-1G>A

Gene: SLC38A8 (solute carrier family 38 member 8; minus strand). Cytogenetic location: 16q23.3.
Variant type: single nucleotide variant.
Coding change: c.806-1G>A on transcript NM_001080442.3 (MANE Select); the canonical splice acceptor site of the intron before coding-DNA position 806, G replaced by A.
Molecular consequence: splice acceptor variant.
Genome position (GRCh38, 1-based): chr16:84,017,288, C>T on the plus strand (G>A on the coding strand, the complement: SLC38A8 is on the minus strand). VCF-style: chr16-84017288-C-T. GRCh37 (hg19) VCF-style: chr16-84050893-C-T.
Identifiers: ClinVar variation 2754436 (VCV002754436.3), dbSNP rs1264247948, ClinGen allele CA396932638.

ClinVar aggregate classification (germline): Likely pathogenic (1 of 4 stars; one submission).

Allele frequency attached by ClinVar (database versions not stated): TOPMed below 0.00001.
gnomAD v4.1: 1 of 1,614,000 alleles (0.000062%); highest among the groups gnomAD compares: Admixed American, 0.0017%; no homozygotes.

Submission:

Labcorp Genetics (formerly Invitae), Labcorp
Classification: Likely pathogenic. Last evaluated: 2023-08-22. Review status: criteria provided, single submitter. Criteria: Invitae Variant Classification Sherloc (09022015). Collection method: clinical testing. Allele origin: germline.
Comment: In summary, the currently available evidence indicates that the variant is pathogenic, but additional data are needed to prove that conclusively. Therefore, this variant has been classified as Likely Pathogenic. Algorithms developed to predict the effect of sequence changes on RNA splicing suggest that this variant may disrupt the consensus splice site. This variant has not been reported in the literature in individuals affected with SLC38A8-related conditions. This variant is present in population databases (no rsID available, gnomAD 0.006%). This sequence change affects an acceptor splice site in intron 6 of the SLC38A8 gene. It is expected to disrupt RNA splicing. Variants that disrupt the donor or acceptor splice site typically lead to a loss of protein function (PMID: 16199547), and loss-of-function variants in SLC38A8 are known to be pathogenic (PMID: 24290379).

Literature cited by the submitters: PubMed 16199547; PubMed 24290379.